The following is an entry in ClinVar:

NM_005708.5(GPC6):c.*271T>A

Gene: GPC6 (glypican 6; plus strand). Cytogenetic location: 13q32.1.
Variant type: single nucleotide variant.
Coding change: c.*271T>A on transcript NM_005708.5 (MANE Select); 271 bases downstream of the stop codon, T replaced by A.
Molecular consequence: 3 prime UTR variant.
Genome position (GRCh38, 1-based): chr13:94,403,488, T>A. VCF-style: chr13-94403488-T-A. GRCh37 (hg19) VCF-style: chr13-95055742-T-A.
Identifiers: ClinVar variation 883524 (VCV000883524.5), dbSNP rs114342753, ClinGen allele CA254191717.

ClinVar aggregate classification (germline): Benign. Review status: criteria provided, multiple submitters, no conflicts (2 of 4 stars). 2 submissions from 2 submitters: Benign (2). Last evaluated 2017-04-27.

Conditions:
Autosomal recessive omodysplasia (OMOD1). Also called: MICROMELIC DYSPLASIA, CONGENITAL, WITH DISLOCATION OF RADIUS. Identifiers: Orphanet 2733, Orphanet 93329, MedGen C1850318, MONDO:0009779, OMIM 258315.

Allele frequency attached by ClinVar (database versions not stated): gnomAD exomes 0.00083; 1000 Genomes Project 30x 0.00578; 1000 Genomes Project 0.00679; gnomAD 0.00731 and 0.00790; TOPMed 0.00802.
gnomAD v4.1: 1,381 of 471,538 alleles (0.29%); highest among the groups gnomAD compares: African/African-American, 2.5%; 24 homozygotes.

Submissions (2):

Illumina Laboratory Services, Illumina
Classification: Benign for Autosomal recessive omodysplasia. Last evaluated: 2017-04-27. Review status: criteria provided, single submitter. Criteria: ICSL Variant Classification Criteria 13 December 2019. Collection method: clinical testing. Allele origin: germline.
Comment: This variant was observed as part of a predisposition screen in an ostensibly healthy population. A literature search was performed for the gene, cDNA change, and amino acid change (where applicable). No publications were found based on this search. Allele frequency data from public databases was too high to be consistent with this variant causing disease. Therefore, this variant is classified as benign.

Breakthrough Genomics
Classification: Benign. Review status: criteria provided, single submitter. Criteria: ACMG Guidelines, 2015. Collection method: not provided. Allele origin: germline. Inheritance: Autosomal recessive inheritance. Affected: yes.